The following is an entry in ClinVar:

ClinVar aggregate classification (germline): Benign. Review status: criteria provided, multiple submitters, no conflicts (2 of 4 stars). 2 submissions from 2 submitters: Benign (2). Last evaluated 2018-06-14.

Allele frequency attached by ClinVar (database versions not stated): gnomAD 0.22985 and 0.23518; TOPMed 0.24543; gnomAD exomes 0.24988; 1000 Genomes Project 0.27196; 1000 Genomes Project 30x 0.29263.
gnomAD v4.1: 185,796 of 751,332 alleles (25%); highest among the groups gnomAD compares: East Asian, 47%; 25,318 homozygotes.

Submissions (2):

GeneDx
Classification: Benign. Last evaluated: 2018-06-14. Review status: criteria provided, single submitter. Criteria: GeneDx Variant Classification (06012015). Collection method: clinical testing. Allele origin: germline. Affected: yes.
Comment: This variant is considered likely benign or benign based on one or more of the following criteria: it is a conservative change, it occurs at a poorly conserved position in the protein, it is predicted to be benign by multiple in silico algorithms, and/or has population frequency not consistent with disease.

Breakthrough Genomics
Classification: Benign. Review status: criteria provided, single submitter. Criteria: ACMG Guidelines, 2015. Collection method: not provided. Allele origin: germline. Inheritance: Autosomal recessive inheritance. Affected: yes.

NM_013382.7(POMT2):c.817-123T>C

Gene: POMT2 (protein O-mannosyltransferase 2; minus strand). Cytogenetic location: 14q24.3.
Variant type: single nucleotide variant.
Coding change: c.817-123T>C on transcript NM_013382.7 (MANE Select); 123 bases into the intron before coding-DNA position 817, T replaced by C.
Molecular consequence: intron variant.
Genome position (GRCh38, 1-based): chr14:77,299,684, A>G on the plus strand (T>C on the coding strand, the complement: POMT2 is on the minus strand). VCF-style: chr14-77299684-A-G. GRCh37 (hg19) VCF-style: chr14-77766027-A-G.
Identifiers: ClinVar variation 668033 (VCV000668033.2), dbSNP rs2287390, ClinGen allele CA15809121.